The following is an entry in ClinVar:

ClinVar aggregate classification (germline): Uncertain significance (1 of 4 stars; one submission).

Submission:

Labcorp Genetics (formerly Invitae), Labcorp
Classification: Uncertain significance. Last evaluated: 2022-08-22. Review status: criteria provided, single submitter. Criteria: Invitae Variant Classification Sherloc (09022015). Collection method: clinical testing. Allele origin: germline.
Comment: In summary, the available evidence is currently insufficient to determine the role of this variant in disease. Therefore, it has been classified as a Variant of Uncertain Significance. Algorithms developed to predict the effect of sequence changes on RNA splicing suggest that this variant may create or strengthen a splice site. This variant has not been reported in the literature in individuals affected with COL11A2-related conditions. This variant is not present in population databases (gnomAD no frequency). This sequence change falls in intron 41 of the COL11A2 gene. It does not directly change the encoded amino acid sequence of the COL11A2 protein.

NM_080680.3(COL11A2):c.3042+11G>C

Gene: COL11A2 (collagen type XI alpha 2 chain; minus strand). Cytogenetic location: 6p21.32.
Variant type: single nucleotide variant.
Coding change: c.3042+11G>C on transcript NM_080680.3 (MANE Select); 11 bases into the intron after coding-DNA position 3042, G replaced by C.
Molecular consequence: intron variant.
Genome position (GRCh38, 1-based): chr6:33,172,039, C>G on the plus strand (G>C on the coding strand, the complement: COL11A2 is on the minus strand). VCF-style: chr6-33172039-C-G. GRCh37 (hg19) VCF-style: chr6-33139816-C-G.
Other names: c.2721+11G>C (NM_080679.3); c.2784+11G>C (NM_080681.3).
Identifiers: ClinVar variation 2023831 (VCV002023831.4), dbSNP rs2534859763, ClinGen allele CA2580074650.
Genomic context (GRCh38, chr6:33,172,039, plus strand): 5'-TGCCACTCCCACCCTTCCTCACCCACCCCTTTCCCGGGTCCTTCCTACCACTTCCGGAAC[C>G]CCAGACTCACTGCAGGGCCAGGGGGGCCAGACGGACCTTCATTCCCCTTCAAACCAGGTC-3'